The following is an entry in ClinVar:

ClinVar aggregate classification (germline): Likely pathogenic. Review status: criteria provided, single submitter (1 of 4 stars). 2 submissions from 2 submitters: Likely pathogenic (1). 1 of the submissions does not count toward it. Last evaluated 2023-10-05.

Conditions:
Charcot-Marie-Tooth disease, type I (CMT1). Also called: Charcot-Marie-Tooth disease type 1; Charcot-Marie-Tooth, Type 1. Identifiers: Orphanet 65753, MedGen C0751036, MONDO:0019011.
Charcot-Marie-Tooth disease. Also called: Charcot-Marie-Tooth Hereditary Neuropathy; Charcot-Marie-Tooth Neuropathy. Identifiers: Orphanet 166, MedGen C0007959, MONDO:0015626.

Submissions (2):

Labcorp Genetics (formerly Invitae), Labcorp
Classification: Likely pathogenic for Charcot-Marie-Tooth disease, type I. Last evaluated: 2023-10-05. Review status: criteria provided, single submitter. Criteria: Invitae Variant Classification Sherloc (09022015). Collection method: clinical testing. Allele origin: germline.
Comment: This sequence change replaces glycine, which is neutral and non-polar, with aspartic acid, which is acidic and polar, at codon 110 of the MPZ protein (p.Gly110Asp). This variant is not present in population databases (gnomAD no frequency). This missense change has been observed in individual(s) with MPZ-related conditions (PMID: 12497641). In at least one individual the variant was observed to be de novo. ClinVar contains an entry for this variant (Variation ID: 637321). Advanced modeling of protein sequence and biophysical properties (such as structural, functional, and spatial information, amino acid conservation, physicochemical variation, residue mobility, and thermodynamic stability) performed at Invitae indicates that this missense variant is expected to disrupt MPZ protein function. Experimental studies have shown that this missense change affects MPZ function (PMID: 29687021). In summary, the currently available evidence indicates that the variant is pathogenic, but additional data are needed to prove that conclusively. Therefore, this variant has been classified as Likely Pathogenic.

Inherited Neuropathy Consortium
Classification: Uncertain significance for Charcot-Marie-Tooth disease. Review status: no assertion criteria provided. Collection method: literature only. Allele origin: germline. Affected: yes. Not counted in ClinVar's aggregate classification.

Literature cited by the submitters: PubMed 12497641 (cited by Labcorp Genetics (formerly Invitae), Labcorp); PubMed 29687021 (cited by Labcorp Genetics (formerly Invitae), Labcorp); PubMed 11085599 (cited by Inherited Neuropathy Consortium).

NM_000530.8(MPZ):c.329G>A (p.Gly110Asp)

Gene: MPZ (myelin protein zero; minus strand). Cytogenetic location: 1q23.3.
Variant type: single nucleotide variant.
Coding change: c.329G>A on transcript NM_000530.8 (MANE Select); coding-DNA position 329, G replaced by A.
Protein change: p.Gly110Asp; replaces glycine 110 with aspartic acid.
Molecular consequence: missense variant.
Genome position (GRCh38, 1-based): chr1:161,306,827, C>T on the plus strand (G>A on the coding strand, the complement: MPZ is on the minus strand). VCF-style: chr1-161306827-C-T. GRCh37 (hg19) VCF-style: chr1-161276617-C-T.
Other names: c.329G>A (LRG_256t1); c.329G>A, p.Gly110Asp (NM_001315491.2); short protein forms G110D.
Identifiers: ClinVar variation 637321 (VCV000637321.4), dbSNP rs1468741050, ClinGen allele CA343349304.
Genomic context (GRCh38, chr1:161,306,827, plus strand): 5'-TTGACGTCACAAGTGAACGTGCCATTGTCACTGTAGTCTAGGTTGTGTATGACAATGGAG[C>T]CATCCTTCCAGCGAGGGTCCCCTACCCACTGGATGCGCTCTTTGAAGGTCCCCACCTCGT-3'
Protein context (NP_000521.2, residues 100-120): QWVGDPRWKD[Gly110Asp]SIVIHNLDYS